The following is an entry in ClinVar:

NM_001904.4(CTNNB1):c.673C>T (p.Arg225Cys)

Genes: CTNNB1 (catenin beta 1; plus strand), LOC126806658 (BRD4-independent group 4 enhancer GRCh37_chr3:41265899-41267098; plus strand). Cytogenetic location: 3p22.1.
Variant type: single nucleotide variant.
Coding change: c.673C>T on transcript NM_001904.4 (MANE Select); coding-DNA position 673, C replaced by T.
Protein change: p.Arg225Cys; replaces arginine 225 with cysteine.
Molecular consequence: missense variant.
Genome position (GRCh38, 1-based): chr3:41,225,511, C>T. VCF-style: chr3-41225511-C-T. GRCh37 (hg19) VCF-style: chr3-41267002-C-T.
Other names: c.673C>T, p.Arg225Cys (NM_001098209.2, NM_001098210.2); c.652C>T, p.Arg218Cys (NM_001330729.2); short protein forms R225C, R218C.
Identifiers: ClinVar variation 1474098 (VCV001474098.8), dbSNP rs2125623252, ClinGen allele CA352229824.
Genomic context (GRCh38, chr3:41,225,511, plus strand): 5'-ACAAATGATGTAGAAACAGCTCGTTGTACCGCTGGGACCTTGCATAACCTTTCCCATCAT[C>T]GTGAGGGCTTACTGGCCATCTTTAAGTCTGGAGGCATTCCTGCCCTGGTGAAAATGCTTG-3'
Protein context (NP_001895.1, residues 215-235): AGTLHNLSHH[Arg225Cys]EGLLAIFKSG

ClinVar aggregate classification (germline): Uncertain significance (1 of 4 stars; one submission).

Allele frequency attached by ClinVar (database versions not stated): gnomAD exomes below 0.00001.
gnomAD v4.1: 1 of 1,614,084 alleles (0.000062%); highest among the groups gnomAD compares: Non-Finnish European, 0.000085%; no homozygotes.

Submission:

Labcorp Genetics (formerly Invitae), Labcorp
Classification: Uncertain significance. Last evaluated: 2021-07-25. Review status: criteria provided, single submitter. Criteria: Invitae Variant Classification Sherloc (09022015). Collection method: clinical testing. Allele origin: germline.
Comment: Algorithms developed to predict the effect of missense changes on protein structure and function (SIFT, PolyPhen-2, Align-GVGD) all suggest that this variant is likely to be disruptive. In summary, the available evidence is currently insufficient to determine the role of this variant in disease. Therefore, it has been classified as a Variant of Uncertain Significance. This variant has not been reported in the literature in individuals affected with CTNNB1-related conditions. This variant is not present in population databases (ExAC no frequency). This sequence change replaces arginine with cysteine at codon 225 of the CTNNB1 protein (p.Arg225Cys). The arginine residue is highly conserved and there is a large physicochemical difference between arginine and cysteine.